The following is an entry in ClinVar:

ClinVar aggregate classification (germline): Uncertain significance. Review status: criteria provided, multiple submitters, no conflicts (2 of 4 stars). 2 submissions from 2 submitters: Uncertain significance (2). Last evaluated 2021-10-14.

gnomAD v4.1: 2 of 1,613,582 alleles (0.00012%); highest among the groups gnomAD compares: Admixed American, 0.0017%; no homozygotes.

Submissions (2):

AiLife Diagnostics
Classification: Uncertain significance. Last evaluated: 2021-10-14. Review status: criteria provided, single submitter. Criteria: ACMG Guidelines, 2015. Collection method: clinical testing. Allele origin: germline. Affected: yes. Observed: 2 variant alleles.

GeneDx
Classification: Uncertain significance. Last evaluated: 2017-02-02. Review status: criteria provided, single submitter. Criteria: GeneDx Variant Classification (06012015). Collection method: clinical testing. Allele origin: germline. Affected: yes.
Comment: The R53G variant of uncertain significance has been identified in the MYOZ2 gene. The R53G variant has not been published as pathogenic or been reported as benign to our knowledge. This variant is not observed at a significant frequency in large population cohorts (Lek et al., 2016; 1000 Genomes Consortium et al., 2015; Exome Variant Server). The R53G variant is a non-conservative amino acid substitution, which is likely to impact secondary protein structure as these residues differ in polarity, charge, size and/or other properties. This substitution occurs at a position that is conserved across species, and in silico analysis predicts this variant is probably damaging to the protein structure/function. However, to our knowledge no studies have been performed to determine the functional effect of the R53G variant.

NM_016599.5(MYOZ2):c.157C>G (p.Arg53Gly)

Gene: MYOZ2 (myozenin 2; plus strand). Cytogenetic location: 4q26.
Variant type: single nucleotide variant.
Coding change: c.157C>G on transcript NM_016599.5 (MANE Select); coding-DNA position 157, C replaced by G.
Protein change: p.Arg53Gly; replaces arginine 53 with glycine.
Molecular consequence: missense variant.
Genome position (GRCh38, 1-based): chr4:119,150,952, C>G. VCF-style: chr4-119150952-C-G. GRCh37 (hg19) VCF-style: chr4-120072107-C-G.
Other names: short protein forms R53G.
Identifiers: ClinVar variation 386842 (VCV000386842.3), dbSNP rs758181218, ClinGen allele CA3058553.